The following is an entry in ClinVar:

ClinVar aggregate classification (germline): Uncertain significance. Review status: criteria provided, multiple submitters, no conflicts (2 of 4 stars). 3 submissions from 3 submitters: Uncertain significance (3). Last evaluated 2025-03-05.

Conditions:
Cornelia de Lange syndrome 1 (CDLS1). Also called: TYPUS DEGENERATIVUS AMSTELODAMENSIS; Brachmann de Lange syndrome; NIPBL-Related Cornelia de Lange Syndrome. Identifiers: Orphanet 199, MedGen C4551851, MONDO:0007387, OMIM 122470.

Allele frequency attached by ClinVar (database versions not stated): ExAC 0.00002; ESP Exome Variant Server 0.00008.
gnomAD v4.1: 16 of 1,613,872 alleles (0.00099%); highest among the groups gnomAD compares: African/African-American, 0.019%; no homozygotes.

Submissions (3):

Labcorp Genetics (formerly Invitae), Labcorp
Classification: Uncertain significance for Cornelia de Lange syndrome 1. Last evaluated: 2025-03-05. Review status: criteria provided, single submitter. Criteria: Invitae Variant Classification Sherloc (09022015). Collection method: clinical testing. Allele origin: germline.
Comment: This sequence change replaces arginine, which is basic and polar, with lysine, which is basic and polar, at codon 827 of the NIPBL protein (p.Arg827Lys). This variant is present in population databases (rs372453541, gnomAD 0.03%). This variant has not been reported in the literature in individuals affected with NIPBL-related conditions. ClinVar contains an entry for this variant (Variation ID: 2759725). Invitae Evidence Modeling of protein sequence and biophysical properties (such as structural, functional, and spatial information, amino acid conservation, physicochemical variation, residue mobility, and thermodynamic stability) indicates that this missense variant is not expected to disrupt NIPBL protein function with a negative predictive value of 95%. In summary, the available evidence is currently insufficient to determine the role of this variant in disease. Therefore, it has been classified as a Variant of Uncertain Significance.

Women's Health and Genetics/Laboratory Corporation of America, LabCorp
Classification: Uncertain significance. Last evaluated: 2025-02-04. Review status: criteria provided, single submitter. Criteria: LabCorp Variant Classification Summary - May 2015. Collection method: clinical testing. Allele origin: germline.
Comment: Variant summary: NIPBL c.2480G>A (p.Arg827Lys) results in a conservative amino acid change in the encoded protein sequence. Five of five in-silico tools predict a benign effect of the variant on protein function. The variant allele was found at a frequency of 1.6e-05 in 250600 control chromosomes (gnomAD). The available data on variant occurrences in the general population are insufficient to allow any conclusion about variant significance. To our knowledge, no occurrence of c.2480G>A in individuals affected with Cornelia De Lange Syndrome 1 and no experimental evidence demonstrating its impact on protein function have been reported. ClinVar contains an entry for this variant (Variation ID: 2759725). Based on the evidence outlined above, the variant was classified as uncertain significance.

Fulgent Genetics
Classification: Uncertain significance for Cornelia de Lange syndrome 1. Last evaluated: 2024-03-28. Review status: criteria provided, single submitter. Criteria: ACMG Guidelines, 2015. Collection method: clinical testing. Allele origin: germline.

NM_133433.4(NIPBL):c.2480G>A (p.Arg827Lys)

Gene: NIPBL (NIPBL cohesin loading factor; plus strand). Cytogenetic location: 5p13.2.
Variant type: single nucleotide variant.
Coding change: c.2480G>A on transcript NM_133433.4 (MANE Select); coding-DNA position 2480, G replaced by A.
Protein change: p.Arg827Lys; replaces arginine 827 with lysine.
Molecular consequence: missense variant.
Genome position (GRCh38, 1-based): chr5:36,985,660, G>A. VCF-style: chr5-36985660-G-A. GRCh37 (hg19) VCF-style: chr5-36985762-G-A.
Other names: c.2480G>A, p.Arg827Lys (NM_015384.5); short protein forms R827K.
Identifiers: ClinVar variation 2759725 (VCV002759725.6), dbSNP rs372453541, ClinGen allele CA3236178.
Genomic context (GRCh38, chr5:36,985,660, plus strand): 5'-GGCGATCTGTTTCTGAGTCACTAAGACGTGACCATGATAATAAACAAAAATCAGATGACA[G>A]GGGTGAATCAGAGCGACATCGAGGGGATCAGTCTAGGGTTCGAAGACCAGAAACATTGAG-3'
Protein context (NP_597677.2, residues 817-837): DHDNKQKSDD[Arg827Lys]GESERHRGDQ